The following is an entry in ClinVar:

ClinVar aggregate classification (germline): Uncertain significance (1 of 4 stars; one submission).

Conditions:
TTN-related disorder. Also called: TTN-related condition; TTN-related disease; TTN-related disorders.

gnomAD v4.1: 1 of 1,613,548 alleles (0.000062%); highest among the groups gnomAD compares: Admixed American, 0.0017%; no homozygotes.

Submission:

PreventionGenetics, part of Exact Sciences
Classification: Uncertain significance for TTN-related condition. Last evaluated: 2026-08-03. Review status: criteria provided, single submitter. Criteria: ACMG Guidelines, 2015. Collection method: clinical testing. Allele origin: germline.
Comment: The TTN c.78220G>A variant is predicted to result in the amino acid substitution p.Gly26074Ser. To our knowledge, this variant has not been reported in the literature or in a large population database (gnomAD), indicating this variant is rare. At this time, the clinical significance of this variant is uncertain due to the absence of conclusive functional and genetic evidence.

NM_001267550.2(TTN):c.78220G>A (p.Gly26074Ser)

Genes: TTN (titin; minus strand), TTN-AS1 (TTN antisense RNA 1; plus strand). Cytogenetic location: 2q31.2.
Variant type: single nucleotide variant.
Coding change: c.78220G>A on transcript NM_001267550.2 (MANE Select); coding-DNA position 78220, G replaced by A.
Protein change: p.Gly26074Ser; replaces glycine 26074 with serine.
Molecular consequence: missense variant.
Genome position (GRCh38, 1-based): chr2:178,567,912, C>T on the plus strand (G>A on the coding strand, the complement: TTN is on the minus strand). VCF-style: chr2-178567912-C-T. GRCh37 (hg19) VCF-style: chr2-179432639-C-T.
Other names: c.73297G>A, p.Gly24433Ser (NM_001256850.1); c.51025G>A, p.Gly17009Ser (NM_003319.4); c.70516G>A, p.Gly23506Ser (NM_133378.4); c.51400G>A, p.Gly17134Ser (NM_133432.3); c.51601G>A, p.Gly17201Ser (NM_133437.4); short protein forms G17134S, G24433S, G23506S, G26074S, G17009S, G17201S.
Identifiers: ClinVar variation 4977577 (VCV004977577.1).